The following is an entry in ClinVar:

NM_201253.3(CRB1):c.863G>T (p.Cys288Phe)

Gene: CRB1 (crumbs cell polarity complex component 1; plus strand). Cytogenetic location: 1q31.3.
Variant type: single nucleotide variant.
Coding change: c.863G>T on transcript NM_201253.3 (MANE Select); coding-DNA position 863, G replaced by T.
Protein change: p.Cys288Phe; replaces cysteine 288 with phenylalanine.
Molecular consequence: missense variant. On other transcripts: non-coding transcript variant (2), intron variant (1).
Genome position (GRCh38, 1-based): chr1:197,347,354, G>T. VCF-style: chr1-197347354-G-T. GRCh37 (hg19) VCF-style: chr1-197316484-G-T.
Other names: c.656G>T, p.Cys219Phe (NM_001257965.2); c.863G>T, p.Cys288Phe (NM_001257966.2); c.653-9477G>T (NM_001193640.2); short protein forms C219F, C288F.
Identifiers: ClinVar variation 1219932 (VCV001219932.11), dbSNP rs148240351, ClinGen allele CA1311746.

ClinVar aggregate classification (germline): Conflicting classifications of pathogenicity. Review status: criteria provided, conflicting classifications (1 of 4 stars). 8 submissions from 6 submitters: Pathogenic (1); Uncertain significance (6). 1 of the submissions does not count toward it. Last evaluated 2025-12-01.

Conditions:
Leber congenital amaurosis 8 (LCA8). Identifiers: Orphanet 65, MedGen C3151202, MONDO:0013453, OMIM 613835.
Pigmented paravenous retinochoroidal atrophy. Identifiers: Orphanet 251295, MedGen C1868310, MONDO:0008246, OMIM 172870.
CRB1-related disorder. Also called: CRB1-related disorders; CRB1-related condition.
Retinitis pigmentosa 12 (RP12). Also called: RP WITH OR WITHOUT PRESERVED PARAARTERIOLE RETINAL PIGMENT EPITHELIUM; RETINITIS PIGMENTOSA WITH OR WITHOUT PARAARTERIOLAR PRESERVATION OF RETINAL PIGMENT EPITHELIUM; RP WITH OR WITHOUT PPRPE. Identifiers: Orphanet 791, MedGen C1838647, MONDO:0010818, OMIM 600105.
Inborn genetic diseases. Identifiers: MedGen C0950123, MeSH D030342.
Leber congenital amaurosis (LCA). Also called: Leber's amaurosis. Identifiers: Orphanet 65, MedGen C0339527, MeSH D057130, MONDO:0018998.

Allele frequency attached by ClinVar (database versions not stated): ExAC 0.00002; gnomAD exomes 0.00002; gnomAD 0.00005; TOPMed 0.00006; ESP Exome Variant Server 0.00015.
gnomAD v4.1: 13 of 1,613,748 alleles (0.00081%); highest among the groups gnomAD compares: African/African-American, 0.015%; no homozygotes.

Submissions (8):

Labcorp Genetics (formerly Invitae), Labcorp
Classification: Uncertain significance for Leber congenital amaurosis 8; Retinitis pigmentosa 12. Last evaluated: 2025-12-01. Review status: criteria provided, single submitter. Criteria: Invitae Variant Classification Sherloc (09022015). Collection method: clinical testing. Allele origin: germline.
Comment: This sequence change replaces cysteine, which is neutral and slightly polar, with phenylalanine, which is neutral and non-polar, at codon 288 of the CRB1 protein (p.Cys288Phe). This variant is present in population databases (rs148240351, gnomAD 0.03%). This missense change has been observed in individual(s) with clinical features of CRB1-related conditions (internal data). ClinVar contains an entry for this variant (Variation ID: 1219932). Invitae Evidence Modeling of protein sequence and biophysical properties (such as structural, functional, and spatial information, amino acid conservation, physicochemical variation, residue mobility, and thermodynamic stability) indicates that this missense variant is expected to disrupt CRB1 protein function with a positive predictive value of 95%. In summary, the available evidence is currently insufficient to determine the role of this variant in disease. Therefore, it has been classified as a Variant of Uncertain Significance.

Ambry Genetics
Classification: Uncertain significance for Inborn genetic diseases. Last evaluated: 2024-07-31. Review status: criteria provided, single submitter. Criteria: Ambry Variant Classification Scheme 2023. Collection method: clinical testing. Allele origin: germline.

Blueprint Genetics
Classification: Pathogenic for CRB1-related disorders. Last evaluated: 2023-09-21. Review status: criteria provided, single submitter. Criteria: ACMG Guidelines, 2015. Collection method: clinical testing. Allele origin: germline. Affected: yes. Observed: 5 variant alleles.

Genome-Nilou Lab
Classification: Uncertain significance for Leber congenital amaurosis 8. Last evaluated: 2023-04-11. Review status: criteria provided, single submitter. Criteria: ACMG Guidelines, 2015. Collection method: clinical testing. Allele origin: germline. Affected: no.

Genome-Nilou Lab
Classification: Uncertain significance for Pigmented paravenous retinochoroidal atrophy. Last evaluated: 2023-04-11. Review status: criteria provided, single submitter. Criteria: ACMG Guidelines, 2015. Collection method: clinical testing. Allele origin: germline. Affected: no.

Genome-Nilou Lab
Classification: Uncertain significance for Retinitis pigmentosa 12. Last evaluated: 2023-04-11. Review status: criteria provided, single submitter. Criteria: ACMG Guidelines, 2015. Collection method: clinical testing. Allele origin: germline. Affected: no.

GeneDx
Classification: Uncertain significance. Last evaluated: 2021-05-11. Review status: criteria provided, single submitter. Criteria: GeneDx Variant Classification Process June 2021. Collection method: clinical testing. Allele origin: germline. Affected: yes.
Comment: In silico analysis, which includes protein predictors and evolutionary conservation, supports a deleterious effect; Has not been previously published as pathogenic or benign to our knowledge

Natera, Inc.
Classification: Uncertain significance for Leber congenital amaurosis. Last evaluated: 2019-11-11. Review status: no assertion criteria provided. Collection method: clinical testing. Allele origin: germline. Not counted in ClinVar's aggregate classification.